The following is an entry in ClinVar:

ClinVar aggregate classification (germline): Uncertain significance. Review status: criteria provided, multiple submitters, no conflicts (2 of 4 stars). 2 submissions from 2 submitters: Uncertain significance (2). Last evaluated 2025-07-06.

Allele frequency attached by ClinVar (database versions not stated): gnomAD exomes 0.00010; gnomAD 0.00004; ExAC 0.00002; TOPMed 0.00003.
gnomAD v4.1: 147 of 1,611,374 alleles (0.0091%); highest among the groups gnomAD compares: Non-Finnish European, 0.012%; no homozygotes.

Submissions (2):

Labcorp Genetics (formerly Invitae), Labcorp
Classification: Uncertain significance. Last evaluated: 2025-07-06. Review status: criteria provided, single submitter. Criteria: Invitae Variant Classification Sherloc (09022015). Collection method: clinical testing. Allele origin: germline.
Comment: This sequence change affects codon 138 of the AP3D1 mRNA. It is a 'silent' change, meaning that it does not change the encoded amino acid sequence of the AP3D1 protein. This variant is present in population databases (rs770510212, gnomAD 0.004%). This variant has not been reported in the literature in individuals affected with AP3D1-related conditions. ClinVar contains an entry for this variant (Variation ID: 2733079). Algorithms developed to predict the effect of sequence changes on RNA splicing suggest that this variant may create or strengthen a splice site. In summary, the available evidence is currently insufficient to determine the role of this variant in disease. Therefore, it has been classified as a Variant of Uncertain Significance.

Mayo Clinic Laboratories, Mayo Clinic
Classification: Uncertain significance. Last evaluated: 2025-03-03. Review status: criteria provided, single submitter. Criteria: ACMG Guidelines, 2015. Collection method: clinical testing. Allele origin: germline. Observed: 1 variant allele.
Comment: PM2_supporting

NM_001261826.3(AP3D1):c.414C>T (p.Phe138=)

Gene: AP3D1 (adaptor related protein complex 3 subunit delta 1; minus strand). Cytogenetic location: 19p13.3.
Variant type: single nucleotide variant.
Coding change: c.414C>T on transcript NM_001261826.3 (MANE Select); coding-DNA position 414, C replaced by T.
Protein change: p.Phe138=; no amino-acid change (phenylalanine 138 retained).
Molecular consequence: synonymous variant.
Genome position (GRCh38, 1-based): chr19:2,132,519, G>A on the plus strand (C>T on the coding strand, the complement: AP3D1 is on the minus strand). VCF-style: chr19-2132519-G-A. GRCh37 (hg19) VCF-style: chr19-2132518-G-A.
Other names: p.Phe138=; c.414C>T, p.Phe138= (NM_001374799.1, NM_003938.8).
Identifiers: ClinVar variation 2733079 (VCV002733079.4), dbSNP rs770510212, ClinGen allele CA9059730.